The following is an entry in ClinVar:

NM_014704.4(CEP104):c.2005G>A (p.Ala669Thr)

Genes: CEP104 (centrosomal protein 104; minus strand), LOC126805586 (CDK7 strongly-dependent group 2 enhancer GRCh37_chr1:3745882-3747081; plus strand). Cytogenetic location: 1p36.32.
Variant type: single nucleotide variant.
Coding change: c.2005G>A on transcript NM_014704.4 (MANE Select); coding-DNA position 2005, G replaced by A.
Protein change: p.Ala669Thr; replaces alanine 669 with threonine.
Molecular consequence: missense variant.
Genome position (GRCh38, 1-based): chr1:3,829,829, C>T on the plus strand (G>A on the coding strand, the complement: CEP104 is on the minus strand). VCF-style: chr1-3829829-C-T. GRCh37 (hg19) VCF-style: chr1-3746393-C-T.
Other names: short protein forms A669T.
Identifiers: ClinVar variation 1401681 (VCV001401681.6), dbSNP rs761349278, ClinGen allele CA551452.

ClinVar aggregate classification (germline): Uncertain significance (1 of 4 stars; one submission).

Conditions:
Joubert syndrome 25 (JBTS25). Identifiers: Orphanet 475, MedGen C4084842, MONDO:0014770, OMIM 616781.

Allele frequency attached by ClinVar (database versions not stated): gnomAD exomes below 0.00001 and 0.00002; ExAC 0.00001.
gnomAD v4.1: 22 of 1,614,212 alleles (0.0014%); highest among the groups gnomAD compares: Non-Finnish European, 0.0019%; no homozygotes.

Submission:

Labcorp Genetics (formerly Invitae), Labcorp
Classification: Uncertain significance for Joubert syndrome 25. Last evaluated: 2026-01-05. Review status: criteria provided, single submitter. Criteria: Invitae Variant Classification Sherloc (09022015). Collection method: clinical testing. Allele origin: germline.
Comment: This sequence change replaces alanine, which is neutral and non-polar, with threonine, which is neutral and polar, at codon 669 of the CEP104 protein (p.Ala669Thr). This variant is present in population databases (rs761349278, gnomAD 0.0009%). This variant has not been reported in the literature in individuals affected with CEP104-related conditions. ClinVar contains an entry for this variant (Variation ID: 1401681). An algorithm developed to predict the effect of missense changes on protein structure and function (PolyPhen-2) suggests that this variant is likely to be tolerated. In summary, the available evidence is currently insufficient to determine the role of this variant in disease. Therefore, it has been classified as a Variant of Uncertain Significance.